The following is an entry in ClinVar:

ClinVar aggregate classification (germline): Uncertain significance (1 of 4 stars; one submission).

Submission:

Dasa
Classification: Uncertain significance. Last evaluated: 2026-08-04. Review status: criteria provided, single submitter. Criteria: DASA Assertion Criteria. Collection method: clinical testing. Allele origin: germline.
Comment: NM_152703.5(SAMD9L):c.-22A>C is an intronic variant. This variant is rare in population databases. Computational prediction algorithms are consistent with a deleterious effect. The currently available literature and clinical evidence are not sufficient to establish a definitive association between this variant and the reported condition. Therefore, this variant is classified as a variant of uncertain significance.

NM_152703.5(SAMD9L):c.-22A>C

Gene: SAMD9L (sterile alpha motif domain containing 9 like; minus strand). Cytogenetic location: 7q21.2.
Variant type: single nucleotide variant.
Coding change: c.-22A>C on transcript NM_152703.5 (MANE Select); 22 bases upstream of the start codon, A replaced by C.
Molecular consequence: 5 prime UTR variant.
Genome position (GRCh38, 1-based): chr7:93,144,733, T>G on the plus strand (A>C on the coding strand, the complement: SAMD9L is on the minus strand). VCF-style: chr7-93144733-T-G. GRCh37 (hg19) VCF-style: chr7-92774046-T-G.
Other names: c.-22A>C (NM_001303496.3, NM_001303497.3, NM_001303498.3 and 5 more transcripts).
Identifiers: ClinVar variation 5020655 (VCV005020655.1).